The following is an entry in ClinVar:

ClinVar aggregate classification (germline): Pathogenic (1 of 4 stars; one submission).

Submission:

GeneDx
Classification: Pathogenic. Last evaluated: 2016-02-12. Review status: criteria provided, single submitter. Criteria: GeneDx Variant Classification (06012015). Collection method: clinical testing. Allele origin: germline. Affected: yes.
Comment: The c.2749+1 G>A variant in the IQSEC2 gene has not been reported previously as a pathogenic variant nor as a benign variant, to our knowledge. This variant destroys the canonical splice donor site in intron 8. It is predicted to cause abnormal gene splicing, either leading to an abnormal message that is subject to nonsense-mediated mRNA decay, or to an abnormal protein product if the message is used for protein translation. The c.2749+1 G>A variant was not observed in approximately 6,500 individuals of European and African American ancestry in the NHLBI Exome Sequencing Project, indicating it is not a common benign variant in these populations. Therefore, the presence of this pathogenic variant is consistent with a diagnosis of an IQSEC2-related disorder

NM_001111125.3(IQSEC2):c.2749+1G>A

Gene: IQSEC2 (IQ motif and Sec7 domain ArfGEF 2; minus strand). Cytogenetic location: Xp11.22.
Variant type: single nucleotide variant.
Coding change: c.2749+1G>A on transcript NM_001111125.3 (MANE Select); the canonical splice donor site of the intron after coding-DNA position 2749, G replaced by A.
Molecular consequence: splice donor variant.
Genome position (GRCh38, 1-based): chrX:53,246,968, C>T on the plus strand (G>A on the coding strand, the complement: IQSEC2 is on the minus strand). VCF-style: chrX-53246968-C-T. GRCh37 (hg19) VCF-style: chrX-53276150-C-T.
Other names: c.2749+1G>A (NM_001410736.1); c.2134+1G>A (NM_015075.2).
Identifiers: ClinVar variation 449680 (VCV000449680.2), dbSNP rs1556862167, ClinGen allele CA413154990.